The following is an entry in ClinVar:

NM_000038.6(APC):c.5145C>A (p.Asp1715Glu)

Gene: APC (APC regulator of Wnt signaling pathway; plus strand). Cytogenetic location: 5q22.2.
Variant type: single nucleotide variant.
Coding change: c.5145C>A on transcript NM_000038.6 (MANE Select); coding-DNA position 5145, C replaced by A.
Protein change: p.Asp1715Glu; replaces aspartic acid 1715 with glutamic acid.
Molecular consequence: missense variant.
Genome position (GRCh38, 1-based): chr5:112,840,739, C>A. VCF-style: chr5-112840739-C-A. GRCh37 (hg19) VCF-style: chr5-112176436-C-A.
Other names: c.5145C>A, p.Asp1715Glu (NM_001127510.3, NM_001354895.2, NM_001407450.1); c.5091C>A, p.Asp1697Glu (NM_001127511.3); c.5199C>A, p.Asp1733Glu (NM_001354896.2, NM_001407447.1, NM_001407448.1 and 1 more transcripts); c.5175C>A, p.Asp1725Glu (NM_001354897.2); c.5070C>A, p.Asp1690Glu (NM_001354898.2); c.5061C>A, p.Asp1687Glu (NM_001354899.2); c.5022C>A, p.Asp1674Glu (NM_001354900.2); c.4968C>A, p.Asp1656Glu (NM_001354901.2, NM_001407453.1); and 11 more; short protein forms D1331E, D1555E, D1674E, D1687E, D1697E, D1705E, D1708E, D1589E.
Identifiers: ClinVar variation 1745626 (VCV001745626.2), dbSNP rs1391225195, ClinGen allele CA16032574.

ClinVar aggregate classification (germline): Uncertain significance (1 of 4 stars; one submission).

Conditions:
Hereditary cancer-predisposing syndrome. Also called: Hereditary Cancer Syndrome; Neoplastic Syndromes, Hereditary; Tumor predisposition; Hereditary neoplastic syndrome. Identifiers: Orphanet 140162, MedGen C0027672, MeSH D009386, MONDO:0015356.

Submission:

Ambry Genetics
Classification: Uncertain significance for Hereditary cancer-predisposing syndrome. Last evaluated: 2020-10-19. Review status: criteria provided, single submitter. Criteria: Ambry Variant Classification Scheme 2023. Collection method: clinical testing. Allele origin: germline.
Comment: The p.D1715E variant (also known as c.5145C>A), located in coding exon 15 of the APC gene, results from a C to A substitution at nucleotide position 5145. The aspartic acid at codon 1715 is replaced by glutamic acid, an amino acid with highly similar properties. This amino acid position is well conserved in available vertebrate species. In addition, in silico predictors for this gene do not accurately predict pathogenicity. Since supporting evidence is limited at this time, the clinical significance of this alteration remains unclear.